The following is an entry in ClinVar:

ClinVar aggregate classification (germline): Uncertain significance (1 of 4 stars; one submission).

Submission:

Labcorp Genetics (formerly Invitae), Labcorp
Classification: Uncertain significance. Last evaluated: 2023-08-17. Review status: criteria provided, single submitter. Criteria: Invitae Variant Classification Sherloc (09022015). Collection method: clinical testing. Allele origin: germline.
Comment: This variant is not present in population databases (gnomAD no frequency). In summary, the available evidence is currently insufficient to determine the role of this variant in disease. Therefore, it has been classified as a Variant of Uncertain Significance. Advanced modeling of protein sequence and biophysical properties (such as structural, functional, and spatial information, amino acid conservation, physicochemical variation, residue mobility, and thermodynamic stability) performed at Invitae indicates that this missense variant is expected to disrupt MYO5B protein function. ClinVar contains an entry for this variant (Variation ID: 2100582). This variant has not been reported in the literature in individuals affected with MYO5B-related conditions. This sequence change replaces alanine, which is neutral and non-polar, with proline, which is neutral and non-polar, at codon 330 of the MYO5B protein (p.Ala330Pro).

NM_001080467.3(MYO5B):c.988G>C (p.Ala330Pro)

Gene: MYO5B (myosin VB; minus strand). Cytogenetic location: 18q21.1.
Variant type: single nucleotide variant.
Coding change: c.988G>C on transcript NM_001080467.3 (MANE Select); coding-DNA position 988, G replaced by C.
Protein change: p.Ala330Pro; replaces alanine 330 with proline.
Molecular consequence: missense variant.
Genome position (GRCh38, 1-based): chr18:49,980,512, C>G on the plus strand (G>C on the coding strand, the complement: MYO5B is on the minus strand). VCF-style: chr18-49980512-C-G. GRCh37 (hg19) VCF-style: chr18-47506882-C-G.
Other names: short protein forms A330P.
Identifiers: ClinVar variation 2100582 (VCV002100582.4), dbSNP rs2511234132, ClinGen allele CA402435115.